The following is an entry in ClinVar:

ClinVar aggregate classification (germline): Uncertain significance (1 of 4 stars; one submission).

Submission:

Labcorp Genetics (formerly Invitae), Labcorp
Classification: Uncertain significance. Last evaluated: 2023-09-04. Review status: criteria provided, single submitter. Criteria: Invitae Variant Classification Sherloc (09022015). Collection method: clinical testing. Allele origin: germline.
Comment: Advanced modeling of protein sequence and biophysical properties (such as structural, functional, and spatial information, amino acid conservation, physicochemical variation, residue mobility, and thermodynamic stability) performed at Invitae indicates that this missense variant is not expected to disrupt KCNQ5 protein function. In summary, the available evidence is currently insufficient to determine the role of this variant in disease. Therefore, it has been classified as a Variant of Uncertain Significance. This variant has not been reported in the literature in individuals affected with KCNQ5-related conditions. The frequency data for this variant in the population databases is considered unreliable, as metrics indicate poor data quality at this position in the gnomAD database. This sequence change replaces glycine, which is neutral and non-polar, with serine, which is neutral and polar, at codon 69 of the KCNQ5 protein (p.Gly69Ser).

NM_019842.4(KCNQ5):c.205G>A (p.Gly69Ser)

Genes: KCNQ5 (potassium voltage-gated channel subfamily Q member 5; plus strand), KCNQ5-DT (KCNQ5 divergent transcript; minus strand). Cytogenetic location: 6q13.
Variant type: single nucleotide variant.
Coding change: c.205G>A on transcript NM_019842.4 (MANE Select); coding-DNA position 205, G replaced by A.
Protein change: p.Gly69Ser; replaces glycine 69 with serine.
Molecular consequence: missense variant.
Genome position (GRCh38, 1-based): chr6:72,622,394, G>A. VCF-style: chr6-72622394-G-A. GRCh37 (hg19) VCF-style: chr6-73332122-G-A.
Other names: c.205G>A, p.Gly69Ser (NM_001160130.2, NM_001160132.2, NM_001160133.2 and 1 more transcripts); short protein forms G69S.
Identifiers: ClinVar variation 2965588 (VCV002965588.3), dbSNP rs1440088325, ClinGen allele CA364824355.